The following is an entry in ClinVar:

NM_002465.4(MYBPC1):c.1386A>T (p.Thr462=)

Gene: MYBPC1 (myosin binding protein C1; plus strand). Cytogenetic location: 12q23.2.
Variant type: single nucleotide variant.
Coding change: c.1386A>T on transcript NM_002465.4 (MANE Select); coding-DNA position 1386, A replaced by T.
Protein change: p.Thr462=; no amino-acid change (threonine 462 retained).
Molecular consequence: synonymous variant.
Genome position (GRCh38, 1-based): chr12:101,651,253, A>T. VCF-style: chr12-101651253-A-T. GRCh37 (hg19) VCF-style: chr12-102045031-A-T.
Other names: p.Thr462=; c.1311A>T, p.Thr437= (NM_001254718.3, NM_001254719.3, NM_206820.4 and 1 more transcripts); c.1275A>T, p.Thr425= (NM_001254720.3); c.1254A>T, p.Thr418= (NM_001254721.3, NM_001404676.1, NM_001404678.1); c.1233A>T, p.Thr411= (NM_001254722.3, NM_001404680.1); c.1272A>T, p.Thr424= (NM_001254723.3); c.1386A>T, p.Thr462= (NM_001404675.1, NM_206819.4); c.1176A>T, p.Thr392= (NM_001404677.1, NM_001404679.1, NM_001404681.1).
Identifiers: ClinVar variation 129641 (VCV000129641.19), dbSNP rs825045, ClinGen allele CA153760.

ClinVar aggregate classification (germline): Benign. Review status: criteria provided, multiple submitters, no conflicts (2 of 4 stars). 8 submissions from 8 submitters: Benign (6). 2 of the submissions do not count toward it. Last evaluated 2022-12-16.

Conditions:
Arthrogryposis, distal, type 1B. Identifiers: Orphanet 1146, MedGen C3280526, MONDO:0013698, OMIM 614335.

Allele frequency attached by ClinVar (database versions not stated): gnomAD exomes 0.05415; 1000 Genomes Project 0.07548; ESP Exome Variant Server 0.09365; 1000 Genomes Project 30x 0.08011; gnomAD 0.08564 and 0.08992; TOPMed 0.08950; ExAC 0.06000.
gnomAD v4.1: 93,221 of 1,613,834 alleles (5.8%); highest among the groups gnomAD compares: African/African-American, 18%; 3,420 homozygotes.

Submissions (8):

Mayo Clinic Laboratories, Mayo Clinic
Classification: Benign. Last evaluated: 2022-12-16. Review status: criteria provided, single submitter. Criteria: ACMG Guidelines, 2015. Collection method: clinical testing. Allele origin: germline. Observed: 39 variant alleles.

GeneDx
Classification: Benign. Last evaluated: 2019-07-31. Review status: criteria provided, single submitter. Criteria: GeneDx Variant Classification Process June 2021. Collection method: clinical testing. Allele origin: germline. Affected: yes.

Illumina Laboratory Services, Illumina
Classification: Benign for Arthrogryposis, distal, type 1B. Last evaluated: 2018-01-13. Review status: criteria provided, single submitter. Criteria: ICSL Variant Classification Criteria 13 December 2019. Collection method: clinical testing. Allele origin: germline.
Comment: This variant was observed in the ICSL laboratory as part of a predisposition screen in an ostensibly healthy population. It had not been previously curated by ICSL or reported in the Human Gene Mutation Database (HGMD: prior to June 1st, 2018), and was therefore a candidate for classification through an automated scoring system. Utilizing variant allele frequency, disease prevalence and penetrance estimates, and inheritance mode, an automated score was calculated to assess if this variant is too frequent to cause the disease. Based on the score and internal cut-off values, a variant classified as benign is not then subjected to further curation. The score for this variant resulted in a classification of benign for this disease.

Genetic Services Laboratory, University of Chicago
Classification: Benign for AllHighlyPenetrant. Last evaluated: 2013-08-15. Review status: criteria provided, single submitter. Criteria: ACMG Guidelines, 2007. Collection method: clinical testing. Allele origin: germline. Inheritance: Autosomal recessive inheritance.

Breakthrough Genomics
Classification: Benign. Review status: criteria provided, single submitter. Criteria: ACMG Guidelines, 2015. Collection method: not provided. Allele origin: germline. Inheritance: Autosomal recessive inheritance. Affected: yes.

PreventionGenetics, part of Exact Sciences
Classification: Benign. Review status: criteria provided, single submitter. Criteria: ACMG Guidelines, 2015. Collection method: clinical testing. Allele origin: germline.

Clinical Genetics, Academic Medical Center
Classification: Benign. Review status: no assertion criteria provided. Collection method: clinical testing. Allele origin: germline. Affected: yes. Study: VKGL Data-share Consensus. Not counted in ClinVar's aggregate classification.

Joint Genome Diagnostic Labs from Nijmegen and Maastricht, Radboudumc and MUMC+
Classification: Benign. Review status: no assertion criteria provided. Collection method: clinical testing. Allele origin: germline. Affected: yes. Study: VKGL Data-share Consensus. Not counted in ClinVar's aggregate classification.